The following is an entry in ClinVar:

NM_004453.4(ETFDH):c.350C>A (p.Ala117Asp)

Gene: ETFDH (electron transfer flavoprotein dehydrogenase; plus strand). Cytogenetic location: 4q32.1.
Variant type: single nucleotide variant.
Coding change: c.350C>A on transcript NM_004453.4 (MANE Select); coding-DNA position 350, C replaced by A.
Protein change: p.Ala117Asp; replaces alanine 117 with aspartic acid.
Molecular consequence: missense variant.
Genome position (GRCh38, 1-based): chr4:158,682,369, C>A. VCF-style: chr4-158682369-C-A. GRCh37 (hg19) VCF-style: chr4-159603521-C-A.
Other names: c.209C>A, p.Ala70Asp (NM_001281737.2); c.167C>A, p.Ala56Asp (NM_001281738.1); short protein forms A56D, A70D, A117D.
Identifiers: ClinVar variation 1470907 (VCV001470907.8), dbSNP rs1773884764, ClinGen allele CA358574409.

ClinVar aggregate classification (germline): Likely pathogenic (1 of 4 stars; one submission).

Conditions:
Multiple acyl-CoA dehydrogenase deficiency (MADD). Also called: Glutaric acidemia type II; GA 2; Glutaric aciduria, type 2; ETHYLMALONIC-ADIPICACIDURIA; GA II; Glutaric Acidemia type 2. Identifiers: Orphanet 26791, MedGen C0268596, MONDO:0009282, OMIM 231680.

Allele frequency attached by ClinVar (database versions not stated): TOPMed below 0.00001; gnomAD 0.00001.
gnomAD v4.1: 1 of 1,614,024 alleles (0.000062%); highest among the groups gnomAD compares: African/African-American, 0.0013%; no homozygotes.

Submission:

Labcorp Genetics (formerly Invitae), Labcorp
Classification: Likely pathogenic for Multiple acyl-CoA dehydrogenase deficiency. Last evaluated: 2025-08-15. Review status: criteria provided, single submitter. Criteria: Invitae Variant Classification Sherloc (09022015). Collection method: clinical testing. Allele origin: germline.
Comment: This sequence change replaces alanine, which is neutral and non-polar, with aspartic acid, which is acidic and polar, at codon 117 of the ETFDH protein (p.Ala117Asp). This variant is not present in population databases (gnomAD no frequency). This missense change has been observed in individual(s) with multiple acyl-CoA dehydrogenase deficiency (internal data). ClinVar contains an entry for this variant (Variation ID: 1470907). Invitae Evidence Modeling of protein sequence and biophysical properties (such as structural, functional, and spatial information, amino acid conservation, physicochemical variation, residue mobility, and thermodynamic stability) indicates that this missense variant is expected to disrupt ETFDH protein function with a positive predictive value of 80%. This variant disrupts the p.Ala117 amino acid residue in ETFDH. Other variant(s) that disrupt this residue have been observed in individuals with ETFDH-related conditions (PMID: 24357026), which suggests that this may be a clinically significant amino acid residue. In summary, the currently available evidence indicates that the variant is pathogenic, but additional data are needed to prove that conclusively. Therefore, this variant has been classified as Likely Pathogenic.

Literature cited by the submitters: PubMed 24357026.